The following is an entry in ClinVar:

ClinVar aggregate classification (germline): Uncertain significance (1 of 4 stars; one submission).

Submission:

Labcorp Genetics (formerly Invitae), Labcorp
Classification: Uncertain significance. Last evaluated: 2025-02-19. Review status: criteria provided, single submitter. Criteria: Invitae Variant Classification Sherloc (09022015). Collection method: clinical testing. Allele origin: germline.
Comment: This sequence change replaces serine, which is neutral and polar, with phenylalanine, which is neutral and non-polar, at codon 2024 of the CACNA1E protein (p.Ser2024Phe). This variant is present in population databases (rs758855381, gnomAD 0.0009%). This variant has not been reported in the literature in individuals affected with CACNA1E-related conditions. Invitae Evidence Modeling of protein sequence and biophysical properties (such as structural, functional, and spatial information, amino acid conservation, physicochemical variation, residue mobility, and thermodynamic stability) indicates that this missense variant is not expected to disrupt CACNA1E protein function with a negative predictive value of 95%. In summary, the available evidence is currently insufficient to determine the role of this variant in disease. Therefore, it has been classified as a Variant of Uncertain Significance.

NM_001205293.3(CACNA1E):c.6200C>T (p.Ser2067Phe)

Gene: CACNA1E (calcium voltage-gated channel subunit alpha1 E; plus strand). Cytogenetic location: 1q25.3.
Variant type: single nucleotide variant.
Coding change: c.6200C>T on transcript NM_001205293.3 (MANE Select); coding-DNA position 6200, C replaced by T.
Protein change: p.Ser2067Phe; replaces serine 2067 with phenylalanine.
Molecular consequence: missense variant.
Genome position (GRCh38, 1-based): chr1:181,795,036, C>T. VCF-style: chr1-181795036-C-T. GRCh37 (hg19) VCF-style: chr1-181764172-C-T.
Other names: c.6071C>T, p.Ser2024Phe (NM_000721.4); c.6014C>T, p.Ser2005Phe (NM_001205294.2); short protein forms S2005F, S2024F, S2067F.
Identifiers: ClinVar variation 4811877 (VCV004811877.1).